The following is an entry in ClinVar:

NM_004006.3(DMD):c.6968T>C (p.Leu2323Pro)

Gene: DMD (dystrophin; minus strand). Cytogenetic location: Xp21.1.
Variant type: single nucleotide variant.
Coding change: c.6968T>C on transcript NM_004006.3 (MANE Select); coding-DNA position 6968, T replaced by C.
Protein change: p.Leu2323Pro; replaces leucine 2323 with proline.
Molecular consequence: missense variant. On other transcripts: 5 prime UTR variant (5).
Genome position (GRCh38, 1-based): chrX:31,875,318, A>G on the plus strand (T>C on the coding strand, the complement: DMD is on the minus strand). VCF-style: chrX-31875318-A-G. GRCh37 (hg19) VCF-style: chrX-31893435-A-G.
Other names: c.6944T>C, p.Leu2315Pro (NM_000109.4); c.6956T>C, p.Leu2319Pro (NM_004009.3); c.6599T>C, p.Leu2200Pro (NM_004010.3); c.2945T>C, p.Leu982Pro (NM_004011.4); c.2936T>C, p.Leu979Pro (NM_004012.4); c.-413T>C (NM_004013.3, NM_004020.4, NM_004021.3 and 2 more transcripts); c.6968T>C (NM_004006.2); short protein forms L2200P, L2319P, L2323P, L982P, L2315P, L979P.
Identifiers: ClinVar variation 1433343 (VCV001433343.9), dbSNP rs747847667, ClinGen allele CA10378364.

ClinVar aggregate classification (germline): Uncertain significance. Review status: criteria provided, multiple submitters, no conflicts (2 of 4 stars). 2 submissions from 2 submitters: Uncertain significance (2). Last evaluated 2026-05-18.

Conditions:
Duchenne muscular dystrophy (DMD). Also called: MUSCULAR DYSTROPHY, PSEUDOHYPERTROPHIC PROGRESSIVE, DUCHENNE TYPE; Duchenne Muscular Dystrophy (DMD). Identifiers: Orphanet 98896, MedGen C0013264, MONDO:0010679, OMIM 310200.
Cardiovascular phenotype. Identifiers: MedGen CN230736.

Allele frequency attached by ClinVar (database versions not stated): ExAC 0.00001; gnomAD 0.00001; TOPMed 0.00001.
gnomAD v4.1: 1 of 1,207,000 alleles (0.000083%); highest among the groups gnomAD compares: African/African-American, 0.0018%; no homozygotes.

Submissions (2):

Ambry Genetics
Classification: Uncertain significance for Cardiovascular phenotype. Last evaluated: 2026-05-18. Review status: criteria provided, single submitter. Criteria: Ambry Variant Classification Scheme 2023. Collection method: clinical testing. Allele origin: germline.
Comment: The p.L2323P variant (also known as c.6968T>C), located in coding exon 48 of the DMD gene, results from a T to C substitution at nucleotide position 6968. The leucine at codon 2323 is replaced by proline, an amino acid with similar properties. This amino acid position is not well conserved in available vertebrate species. In addition, the in silico prediction for this alteration is inconclusive. Based on data from gnomAD, the C allele has an overall frequency of 0.0006% (1/179585) total alleles studied, with 0 hemizygote(s) observed. The highest observed frequency was 0.0077% (1/12999) of African alleles. Based on the available evidence, the clinical significance of this variant remains unclear.

Labcorp Genetics (formerly Invitae), Labcorp
Classification: Uncertain significance for Duchenne muscular dystrophy. Last evaluated: 2025-05-16. Review status: criteria provided, single submitter. Criteria: Invitae Variant Classification Sherloc (09022015). Collection method: clinical testing. Allele origin: germline.
Comment: This sequence change replaces leucine, which is neutral and non-polar, with proline, which is neutral and non-polar, at codon 2323 of the DMD protein (p.Leu2323Pro). The frequency data for this variant in the population databases is considered unreliable, as metrics indicate poor data quality at this position in the gnomAD database. This variant has not been reported in the literature in individuals affected with DMD-related conditions. ClinVar contains an entry for this variant (Variation ID: 1433343). Invitae Evidence Modeling of protein sequence and biophysical properties (such as structural, functional, and spatial information, amino acid conservation, physicochemical variation, residue mobility, and thermodynamic stability) indicates that this missense variant is not expected to disrupt DMD protein function with a negative predictive value of 95%. In summary, the available evidence is currently insufficient to determine the role of this variant in disease. Therefore, it has been classified as a Variant of Uncertain Significance.